The following is an entry in ClinVar:

ClinVar aggregate classification (germline): Pathogenic/Likely pathogenic. Review status: criteria provided, multiple submitters, no conflicts (2 of 4 stars). 6 submissions from 6 submitters: Pathogenic (4); Likely pathogenic (1). 1 of the submissions does not count toward it. Last evaluated 2025-09-16.

Conditions:
Leber congenital amaurosis (LCA). Also called: Leber's amaurosis. Identifiers: Orphanet 65, MedGen C0339527, MeSH D057130, MONDO:0018998.
Leber congenital amaurosis 13 (LCA13). Identifiers: MedGen C2675186, MONDO:0012990, OMIM 612712.

Allele frequency attached by ClinVar (database versions not stated): gnomAD 0.00001.
gnomAD v4.1: 2 of 1,614,030 alleles (0.00012%); highest among the groups gnomAD compares: Admixed American, 0.0017%; no homozygotes.

Submissions (6):

Labcorp Genetics (formerly Invitae), Labcorp
Classification: Pathogenic for Leber congenital amaurosis 13. Last evaluated: 2025-09-16. Review status: criteria provided, single submitter. Criteria: Invitae Variant Classification Sherloc (09022015). Collection method: clinical testing. Allele origin: germline.
Comment: This sequence change replaces glycine, which is neutral and non-polar, with arginine, which is basic and polar, at codon 76 of the RDH12 protein (p.Gly76Arg). This variant is not present in population databases (gnomAD no frequency). This missense change has been observed in individuals with clinical features of autosomal recessive RDH12-related conditions (PMID: 19956407, 24265693, 30134391, 30372751). It has also been observed to segregate with disease in related individuals. ClinVar contains an entry for this variant (Variation ID: 1074472). Invitae Evidence Modeling of protein sequence and biophysical properties (such as structural, functional, and spatial information, amino acid conservation, physicochemical variation, residue mobility, and thermodynamic stability) indicates that this missense variant is expected to disrupt RDH12 protein function with a positive predictive value of 80%. For these reasons, this variant has been classified as Pathogenic.

Genomic Medicine Center of Excellence, King Faisal Specialist Hospital and Research Centre
Classification: Pathogenic for Leber congenital amaurosis 13. Last evaluated: 2025-09-10. Review status: criteria provided, single submitter. Criteria: ACMG Guidelines, 2015. Collection method: clinical testing. Allele origin: germline.

Dr.Nikuei Genetic Center
Classification: Pathogenic for Leber congenital amaurosis 13. Last evaluated: 2024-07-10. Review status: criteria provided, single submitter. Criteria: ACMG Guidelines, 2015. Collection method: clinical testing. Allele origin: germline. Affected: yes.

Women's Health and Genetics/Laboratory Corporation of America, LabCorp
Classification: Pathogenic for Leber congenital amaurosis. Last evaluated: 2023-08-21. Review status: criteria provided, single submitter. Criteria: LabCorp Variant Classification Summary - May 2015. Collection method: clinical testing. Allele origin: germline.
Comment: Variant summary: RDH12 c.226G>C (p.Gly76Arg) results in a non-conservative amino acid change in the encoded protein sequence. Five of five in-silico tools predict a damaging effect of the variant on protein function. The variant was absent in 251494 control chromosomes (gnomAD). c.226G>C has been reported in the literature in bi-allelic individuals affected with Leber Congenital Amaurosis and autosomal recessive Retinitis pigmentosa (examples: Aldahmesh_2009, Eisenberger_2013, Aleman_2018, and Jin_2022). These data indicate that the variant is likely to be associated with disease. A different variant resulting in the same amino acid change (c.226G>A, p.Gly76Arg) has been reported in bi-allelic individuals affected with Leber Congenital Amaurosis and autosomal recessive Retinitis pigmentosa (PMID: 35006499) and is classified as pathogenic in ClinVar (ID 986946). The following publications have been ascertained in the context of this evaluation (PMID: 19956407, 30372751, 24265693, 35006499). Three submitters have cited clinical-significance assessments for this variant to ClinVar after 2014. All submitters classified the variant as pathogenic/likely pathogenic. Based on the evidence outlined above, the variant was classified as pathogenic.

Revvity Omics, Revvity
Classification: Likely pathogenic for Leber congenital amaurosis 13. Last evaluated: 2020-03-31. Review status: criteria provided, single submitter. Criteria: ACMG Guidelines, 2015. Collection method: clinical testing. Allele origin: germline.

Natera, Inc.
Classification: Pathogenic for Leber congenital amaurosis. Last evaluated: 2020-12-10. Review status: no assertion criteria provided. Collection method: clinical testing. Allele origin: germline. Not counted in ClinVar's aggregate classification.

Literature cited by the submitters: PubMed 19956407 (cited by Labcorp Genetics (formerly Invitae), Labcorp and Women's Health and Genetics/Laboratory Corporation of America, LabCorp); PubMed 24265693 (cited by Labcorp Genetics (formerly Invitae), Labcorp and Women's Health and Genetics/Laboratory Corporation of America, LabCorp); PubMed 30134391 (cited by Labcorp Genetics (formerly Invitae), Labcorp); PubMed 30372751 (cited by Labcorp Genetics (formerly Invitae), Labcorp and Women's Health and Genetics/Laboratory Corporation of America, LabCorp); PubMed 35006499 (cited by Women's Health and Genetics/Laboratory Corporation of America, LabCorp).

NM_152443.3(RDH12):c.226G>C (p.Gly76Arg)

Genes: GPHN (gephyrin; plus strand), RDH12 (retinol dehydrogenase 12; plus strand). Cytogenetic location: 14q24.1.
Variant type: single nucleotide variant.
Coding change: c.226G>C on transcript NM_152443.3 (MANE Select); coding-DNA position 226, G replaced by C.
Protein change: p.Gly76Arg; replaces glycine 76 with arginine.
Molecular consequence: missense variant.
Genome position (GRCh38, 1-based): chr14:67,725,137, G>C. VCF-style: chr14-67725137-G-C. GRCh37 (hg19) VCF-style: chr14-68191854-G-C.
Other names: short protein forms G76R.
Identifiers: ClinVar variation 1074472 (VCV001074472.17), dbSNP rs368489658, ClinGen allele CA262808726.